The following is an entry in ClinVar:

ClinVar aggregate classification (germline): Likely benign. Review status: criteria provided, multiple submitters, no conflicts (2 of 4 stars). 4 submissions from 4 submitters: Likely benign (3). 1 of the submissions does not count toward it. Last evaluated 2025-10-17.

Conditions:
Shprintzen-Goldberg syndrome (SGS). Also called: CRANIOSYNOSTOSIS WITH ARACHNODACTYLY AND ABDOMINAL HERNIAS; Marfanoid disorder with craniosynostosis type 1; Marfanoid craniosynostosis syndrome; Shprintzen-Goldberg marfanoid syndrome; SHPRINTZEN-GOLDBERG CRANIOSYNOSTOSIS SYNDROME. Identifiers: Orphanet 2462, MedGen C1321551, MONDO:0008426, OMIM 182212.
SKI-related disorder. Also called: SKI-related condition.
Familial thoracic aortic aneurysm and aortic dissection (TAAD). Also called: Thoracic aortic aneurysms and dissections. Identifiers: Orphanet 91387, MedGen C4707243, MONDO:0019625.

Allele frequency attached by ClinVar (database versions not stated): gnomAD exomes 0.00001 and 0.00002; TOPMed 0.00002; ExAC 0.00003; gnomAD 0.00003.
gnomAD v4.1: 8 of 1,584,562 alleles (0.0005%); highest among the groups gnomAD compares: East Asian, 0.018%; no homozygotes.

Submissions (4):

Labcorp Genetics (formerly Invitae), Labcorp
Classification: Likely benign for Shprintzen-Goldberg syndrome. Last evaluated: 2025-10-17. Review status: criteria provided, single submitter. Criteria: Invitae Variant Classification Sherloc (09022015). Collection method: clinical testing. Allele origin: germline.

Ambry Genetics
Classification: Likely benign for Familial thoracic aortic aneurysm and aortic dissection. Last evaluated: 2023-03-16. Review status: criteria provided, single submitter. Criteria: Ambry Variant Classification Scheme 2023. Collection method: clinical testing. Allele origin: germline.

GeneDx
Classification: Likely benign. Last evaluated: 2017-02-27. Review status: criteria provided, single submitter. Criteria: GeneDx Variant Classification (06012015). Collection method: clinical testing. Allele origin: germline. Affected: yes.
Comment: This variant is considered likely benign or benign based on one or more of the following criteria: it is a conservative change, it occurs at a poorly conserved position in the protein, it is predicted to be benign by multiple in silico algorithms, and/or has population frequency not consistent with disease.

PreventionGenetics, part of Exact Sciences
Classification: Likely benign for SKI-related condition. Last evaluated: 2019-04-24. Review status: no assertion criteria provided. Collection method: clinical testing. Allele origin: germline. Not counted in ClinVar's aggregate classification.
Comment: This variant is classified as likely benign based on ACMG/AMP sequence variant interpretation guidelines (Richards et al. 2015 PMID: 25741868, with internal and published modifications).

NM_003036.4(SKI):c.1935G>T (p.Arg645=)

Gene: SKI (SKI proto-oncogene; plus strand). Cytogenetic location: 1p36.32.
Variant type: single nucleotide variant.
Coding change: c.1935G>T on transcript NM_003036.4 (MANE Select); coding-DNA position 1935, G replaced by T.
Protein change: p.Arg645=; no amino-acid change (arginine 645 retained).
Molecular consequence: synonymous variant.
Genome position (GRCh38, 1-based): chr1:2,306,187, G>T. VCF-style: chr1-2306187-G-T. GRCh37 (hg19) VCF-style: chr1-2237626-G-T.
Identifiers: ClinVar variation 463400 (VCV000463400.14), dbSNP rs751933078, ClinGen allele CA536834.
Genomic context (GRCh38, chr1:2,306,187, plus strand): 5'-GAAGATGAAAGAGGCCAACGAGTCACGGCTGCGCCTGAAGCGGGAGCTGGAGCAGGCGCG[G>T]CAGGCCCGGGTGTGCGACAAGGGCTGCGAGGCGGGCCGCCTGCGCGCCAAGTACTCGGCC-3'
Protein context (NP_003027.1, residues 635-655): LRLKRELEQA[Arg645=]QARVCDKGCE